The following is an entry in ClinVar:

NM_003809.3(TNFSF12):c.691T>C (p.Trp231Arg)

Genes: TNFSF12-TNFSF13 (TNFSF12-TNFSF13 readthrough; plus strand), TNFSF12 (TNF superfamily member 12; plus strand). Cytogenetic location: 17p13.1.
Variant type: single nucleotide variant.
Coding change: c.691T>C on transcript NM_003809.3 (MANE Select); coding-DNA position 691, T replaced by C.
Protein change: p.Trp231Arg; replaces tryptophan 231 with arginine.
Molecular consequence: missense variant. On other transcripts: non-coding transcript variant (1), intron variant (1).
Genome position (GRCh38, 1-based): chr17:7,557,291, T>C. VCF-style: chr17-7557291-T-C. GRCh37 (hg19) VCF-style: chr17-7460608-T-C.
Other names: c.498+389T>C (NM_172089.4); short protein forms W231R.
Identifiers: ClinVar variation 967407 (VCV000967407.10), dbSNP rs2071085086, ClinGen allele CA397864597.
Genomic context (GRCh38, chr17:7,557,291, plus strand): 5'-CAGGTGTCTGGGCTGTTGGCCCTGCGGCCAGGGTCCTCCCTGCGGATCCGCACCCTCCCC[T>C]GGGCCCATCTCAAGGCTGCCCCCTTCCTCACCTACTTCGGACTCTTCCAGGTTCACTGAG-3'
Protein context (NP_003800.1, residues 221-241): GSSLRIRTLP[Trp231Arg]AHLKAAPFLT

ClinVar aggregate classification (germline): Uncertain significance (1 of 4 stars; one submission).

Conditions:
Common variable immunodeficiency (CVID). Also called: Common variable hypogamma-globulinemia; Common variable agammaglobulinemia. Identifiers: Orphanet 1572, MedGen C0009447, MONDO:0015517.

Allele frequency attached by ClinVar (database versions not stated): gnomAD exomes 0.00002.
gnomAD v4.1: 30 of 1,613,516 alleles (0.0019%); highest among the groups gnomAD compares: Non-Finnish European, 0.0025%; no homozygotes.

Submission:

Labcorp Genetics (formerly Invitae), Labcorp
Classification: Uncertain significance for Common variable immunodeficiency. Last evaluated: 2019-10-28. Review status: criteria provided, single submitter. Criteria: Invitae Variant Classification Sherloc (09022015). Collection method: clinical testing. Allele origin: germline.
Comment: In summary, the available evidence is currently insufficient to determine the role of this variant in disease. Therefore, it has been classified as a Variant of Uncertain Significance. Algorithms developed to predict the effect of missense changes on protein structure and function (SIFT, PolyPhen-2, Align-GVGD) all suggest that this variant is likely to be tolerated, but these predictions have not been confirmed by published functional studies and their clinical significance is uncertain. This variant has not been reported in the literature in individuals with TNFSF12-related conditions. This variant is not present in population databases (ExAC no frequency). This sequence change replaces tryptophan with arginine at codon 231 of the TNFSF12 protein (p.Trp231Arg). The tryptophan residue is weakly conserved and there is a moderate physicochemical difference between tryptophan and arginine.